The following is an entry in ClinVar:

ClinVar aggregate classification (germline): Uncertain significance (1 of 4 stars; one submission).

Allele frequency attached by ClinVar (database versions not stated): gnomAD exomes below 0.00001.
gnomAD v4.1: 2 of 1,538,600 alleles (0.00013%); highest among the groups gnomAD compares: Non-Finnish European, 0.00018%; no homozygotes.

Submission:

Labcorp Genetics (formerly Invitae), Labcorp
Classification: Uncertain significance. Last evaluated: 2020-12-08. Review status: criteria provided, single submitter. Criteria: Invitae Variant Classification Sherloc (09022015). Collection method: clinical testing. Allele origin: germline.
Comment: In summary, the available evidence is currently insufficient to determine the role of this variant in disease. Therefore, it has been classified as a Variant of Uncertain Significance. Algorithms developed to predict the effect of missense changes on protein structure and function are either unavailable or do not agree on the potential impact of this missense change (SIFT: "Not Available"; PolyPhen-2: "Probably Damaging"; Align-GVGD: "Not Available"). This variant has not been reported in the literature in individuals with UNC80-related conditions. This variant is not present in population databases (ExAC no frequency). This sequence change replaces aspartic acid with asparagine at codon 2007 of the UNC80 protein (p.Asp2007Asn). The aspartic acid residue is moderately conserved and there is a small physicochemical difference between aspartic acid and asparagine.

NM_001371986.1(UNC80):c.6217G>A (p.Asp2073Asn)

Gene: UNC80 (unc-80 subunit of NALCN channel complex; plus strand). Cytogenetic location: 2q34.
Variant type: single nucleotide variant.
Coding change: c.6217G>A on transcript NM_001371986.1 (MANE Select); coding-DNA position 6217, G replaced by A.
Protein change: p.Asp2073Asn; replaces aspartic acid 2073 with asparagine.
Molecular consequence: missense variant.
Genome position (GRCh38, 1-based): chr2:209,935,752, G>A. VCF-style: chr2-209935752-G-A. GRCh37 (hg19) VCF-style: chr2-210800476-G-A.
Other names: c.6019G>A, p.Asp2007Asn (NM_032504.2); c.6004G>A, p.Asp2002Asn (NM_182587.4); short protein forms D2007N, D2002N, D2073N.
Identifiers: ClinVar variation 1396085 (VCV001396085.6), dbSNP rs2124971867, ClinGen allele CA350770010.
Genomic context (GRCh38, chr2:209,935,752, plus strand): 5'-TTATTATTTTTATCATCTGTAGGTACTAAAACCTTGGTAGTTCATGGACAGAATGAGTGC[G>A]ATATCCCAACCCAGTTACCAGTCCATGAAGACACTCAATTTGAAGCCCTGTTGAAGGTAG-3'
Protein context (NP_001358915.1, residues 2063-2083): TLVVHGQNEC[Asp2073Asn]IPTQLPVHED